The following is an entry in ClinVar:

ClinVar aggregate classification (germline): Benign. Review status: criteria provided, single submitter (1 of 4 stars). 2 submissions from 2 submitters: Benign (1). 1 of the submissions does not count toward it. Last evaluated 2024-11-26.

Conditions:
PDE11A-related disorder. Also called: PDE11A-related condition.

Allele frequency attached by ClinVar (database versions not stated): 1000 Genomes Project 0.06270; gnomAD 0.09031; TOPMed 0.08572; ExAC 0.09497; ESP Exome Variant Server 0.09756; gnomAD exomes 0.10743; 1000 Genomes Project 30x 0.06309.
gnomAD v4.1: 169,826 of 1,612,882 alleles (11%); highest among the groups gnomAD compares: Non-Finnish European, 12%; 9,567 homozygotes.

Submissions (2):

Blueprint Genetics
Classification: Benign. Last evaluated: 2024-11-26. Review status: criteria provided, single submitter. Criteria: ACMG Guidelines, 2015. Collection method: clinical testing. Allele origin: germline.

PreventionGenetics, part of Exact Sciences
Classification: Benign for PDE11A-related condition. Last evaluated: 2019-10-17. Review status: no assertion criteria provided. Collection method: clinical testing. Allele origin: germline. Not counted in ClinVar's aggregate classification.
Comment: This variant is classified as benign based on ACMG/AMP sequence variant interpretation guidelines (Richards et al. 2015 PMID: 25741868, with internal and published modifications).

NM_001077197.2(PDE11A):c.152C>T (p.Thr51Ile)

Gene: PDE11A (phosphodiesterase 11A; minus strand). Cytogenetic location: 2q31.2.
Variant type: single nucleotide variant.
Coding change: c.152C>T on transcript NM_001077197.2; coding-DNA position 152, C replaced by T.
Protein change: p.Thr51Ile; replaces threonine 51 with isoleucine.
Molecular consequence: missense variant.
Genome position (GRCh38, 1-based): chr2:178,104,312, G>A on the plus strand (C>T on the coding strand, the complement: PDE11A is on the minus strand). VCF-style: chr2-178104312-G-A. GRCh37 (hg19) VCF-style: chr2-178969039-G-A.
Other names: short protein forms T51I.
Identifiers: ClinVar variation 3055903 (VCV003055903.3), dbSNP rs75672043, ClinGen allele CA1982368.